The following is an entry in ClinVar:

ClinVar aggregate classification (germline): Uncertain significance (1 of 4 stars; one submission).

Conditions:
Gorlin syndrome. Also called: Basal cell nevus syndrome; Nevoid Basal Cell Carcinoma Syndrome. Identifiers: Orphanet 377, MedGen C0004779, MONDO:0007187.
Medulloblastoma (MDB). Also called: Medulloblastoma, somatic; MEDULLOBLASTOMA PREDISPOSITION SYNDROME. Identifiers: Orphanet 616, MedGen C0025149, MeSH D008527, MONDO:0007959, OMIM 155255, HP:0002885.

Submission:

Labcorp Genetics (formerly Invitae), Labcorp
Classification: Uncertain significance for Gorlin syndrome; Medulloblastoma. Last evaluated: 2022-10-25. Review status: criteria provided, single submitter. Criteria: Invitae Variant Classification Sherloc (09022015). Collection method: clinical testing. Allele origin: germline.
Comment: This sequence change falls in intron 11 of the SUFU gene. It does not directly change the encoded amino acid sequence of the SUFU protein. Information on the frequency of this variant in the gnomAD database is not available, as this variant may be reported differently in the database. This variant has not been reported in the literature in individuals affected with SUFU-related conditions. Experimental studies and prediction algorithms are not available or were not evaluated, and the effect of this variant on mRNA splicing is currently unknown. In summary, the available evidence is currently insufficient to determine the role of this variant in disease. Therefore, it has been classified as a Variant of Uncertain Significance.

NM_016169.4(SUFU):c.1365+18_1365+19delinsCC

Gene: SUFU (SUFU negative regulator of hedgehog signaling; plus strand). Cytogenetic location: 10q24.32.
Variant type: Indel.
Coding change: c.1365+18_1365+19delinsCC on transcript NM_016169.4 (MANE Select); bases 18 to 19 of the intron after coding-DNA position 1365, TT replaced by CC.
Molecular consequence: intron variant.
Genome position (GRCh38, 1-based): chr10:102,627,261-102,627,262, TT replaced by CC. VCF-style: chr10-102627261-TT-CC. GRCh37 (hg19) VCF-style: chr10-104387018-TT-CC.
Identifiers: ClinVar variation 2035520 (VCV002035520.4), dbSNP rs2492837467, ClinGen allele CA2580081182.